The following is an entry in ClinVar:

ClinVar aggregate classification (germline): Uncertain significance (1 of 4 stars; one submission).

Conditions:
Inborn genetic diseases. Identifiers: MedGen C0950123, MeSH D030342.

Submission:

Ambry Genetics
Classification: Uncertain significance for Inborn genetic diseases. Last evaluated: 2025-11-25. Review status: criteria provided, single submitter. Criteria: Ambry Variant Classification Scheme 2023. Collection method: clinical testing. Allele origin: germline.
Comment: The p.T300A variant (also known as c.898A>G), located in coding exon 10 of the ACADM gene, results from an A to G substitution at nucleotide position 898. The threonine at codon 300 is replaced by alanine, an amino acid with similar properties. This amino acid position is conserved. In addition, this alteration is predicted to be deleterious by in silico analysis. Based on the available evidence, the clinical significance of this variant remains unclear.

NM_000016.6(ACADM):c.898A>G (p.Thr300Ala)

Gene: ACADM (acyl-CoA dehydrogenase medium chain; plus strand). Cytogenetic location: 1p31.1.
Variant type: single nucleotide variant.
Coding change: c.898A>G on transcript NM_000016.6 (MANE Select); coding-DNA position 898, A replaced by G.
Protein change: p.Thr300Ala; replaces threonine 300 with alanine.
Molecular consequence: missense variant.
Genome position (GRCh38, 1-based): chr1:75,750,499, A>G. VCF-style: chr1-75750499-A-G. GRCh37 (hg19) VCF-style: chr1-76216184-A-G.
Other names: c.910A>G, p.Thr304Ala (NM_001127328.3); c.790A>G, p.Thr264Ala (NM_001286042.2); c.997A>G, p.Thr333Ala (NM_001286043.2); c.331A>G, p.Thr111Ala (NM_001286044.2); short protein forms T300A, T304A, T111A, T264A, T333A.
Identifiers: ClinVar variation 4564929 (VCV004564929.1).
Genomic context (GRCh38, chr1:75,750,499, plus strand): 5'-TTAAAATACTAGGTAGCTGCTGGTGCTGTTGGATTAGCACAAAGAGCTTTGGATGAAGCT[A>G]CCAAGTATGCCCTGGAAAGGAAAACTTTCGGAAAGCTACTTGTAGAGGTAATTTTAATAC-3'
Protein context (NP_000007.1, residues 290-310): GLAQRALDEA[Thr300Ala]KYALERKTFG